The following is an entry in ClinVar:

NM_001457.4(FLNB):c.478A>G (p.Asn160Asp)

Gene: FLNB (filamin B; plus strand). Cytogenetic location: 3p14.3.
Variant type: single nucleotide variant.
Coding change: c.478A>G on transcript NM_001457.4 (MANE Select); coding-DNA position 478, A replaced by G.
Protein change: p.Asn160Asp; replaces asparagine 160 with aspartic acid.
Molecular consequence: missense variant.
Genome position (GRCh38, 1-based): chr3:58,077,231, A>G. VCF-style: chr3-58077231-A-G. GRCh37 (hg19) VCF-style: chr3-58062958-A-G.
Other names: c.478A>G, p.Asn160Asp (NM_001164317.2, NM_001164318.2, NM_001164319.2); short protein forms N160D.
Identifiers: ClinVar variation 2502610 (VCV002502610.1), dbSNP rs2470990914, ClinGen allele CA353333513.

ClinVar aggregate classification (germline): Uncertain significance (1 of 4 stars; one submission).

Allele frequency attached by ClinVar (database versions not stated): gnomAD exomes below 0.00001.
gnomAD v4.1: 1 of 1,614,194 alleles (0.000062%); highest among the groups gnomAD compares: East Asian, 0.0022%; no homozygotes.

Submission:

GeneDx
Classification: Uncertain significance. Last evaluated: 2022-11-22. Review status: criteria provided, single submitter. Criteria: GeneDx Variant Classification Process June 2021. Collection method: clinical testing. Allele origin: germline. Affected: yes.
Comment: Not observed at significant frequency in large population cohorts (gnomAD); In silico analysis supports that this missense variant has a deleterious effect on protein structure/function; Has not been previously published as pathogenic or benign to our knowledge